The following is an entry in ClinVar:

ClinVar aggregate classification (germline): Uncertain significance (1 of 4 stars; one submission).

Conditions:
Hereditary breast ovarian cancer syndrome. Also called: BRCA1- and BRCA2-Associated Hereditary Breast and Ovarian Cancer; Hereditary breast and ovarian cancer syndrome; Hereditary breast and ovarian cancer; Hereditary breast and ovarian cancer syndrome (HBOC); Breast and ovarian cancer; Hereditary breast and/or ovarian cancer syndrome. Identifiers: Orphanet 145, MedGen C0677776, MeSH D061325, MONDO:0003582. Disease mechanism: loss of function.

gnomAD v4.1: 1 of 374,568 alleles (0.00027%); highest among the groups gnomAD compares: Non-Finnish European, 0.00054%; no homozygotes.

Submission:

Labcorp Genetics (formerly Invitae), Labcorp
Classification: Uncertain significance for Hereditary breast ovarian cancer syndrome. Last evaluated: 2024-02-29. Review status: criteria provided, single submitter. Criteria: Invitae Variant Classification Sherloc (09022015). Collection method: clinical testing. Allele origin: germline.
Comment: This variant occurs in a non-coding region of the BRCA1 gene. It does not change the encoded amino acid sequence of the BRCA1 protein. This variant is not present in population databases (gnomAD no frequency). This variant has not been reported in the literature in individuals affected with BRCA1-related conditions. In summary, the available evidence is currently insufficient to determine the role of this variant in disease. Therefore, it has been classified as a Variant of Uncertain Significance.

NC_000017.11:g.43125428G>C

Genes: BRCA1 (BRCA1 DNA repair associated; minus strand), LOC111589215 (BRCA1 promoter region; plus strand). Cytogenetic location: 17q21.31.
Variant type: single nucleotide variant.
Molecular consequence: intron variant (on NM_001408458.1).
Genome position: GRCh38 VCF-style: chr17-43125428-G-C. GRCh37 (hg19) VCF-style: chr17-41277445-G-C.
Other names: c.-177C>G (NM_007294.3); c.-61-9649C>G (NM_001408458.1).
Identifiers: ClinVar variation 3703061 (VCV003703061.2).